The following is an entry in ClinVar:

ClinVar aggregate classification (germline): Uncertain significance (1 of 4 stars; one submission).

Conditions:
Catecholaminergic polymorphic ventricular tachycardia 1. Also called: RYR2-Related Catecholaminergic Polymorphic Ventricular Tachycardia; VENTRICULAR TACHYCARDIA, CATECHOLAMINERGIC POLYMORPHIC, 1, WITH OR WITHOUT ATRIAL DYSFUNCTION AND/OR DILATED CARDIOMYOPATHY; VENTRICULAR TACHYCARDIA, STRESS-INDUCED POLYMORPHIC 1. Identifiers: Orphanet 3286, MedGen C1631597, MONDO:0011484, OMIM 604772.

Allele frequency attached by ClinVar (database versions not stated): gnomAD exomes below 0.00001.
gnomAD v4.1: 1 of 1,255,212 alleles (0.00008%); highest among the groups gnomAD compares: Non-Finnish European, 0.00011%; no homozygotes.

Submission:

Labcorp Genetics (formerly Invitae), Labcorp
Classification: Uncertain significance for Catecholaminergic polymorphic ventricular tachycardia 1. Last evaluated: 2020-06-26. Review status: criteria provided, single submitter. Criteria: Invitae Variant Classification Sherloc (09022015). Collection method: clinical testing. Allele origin: germline.
Comment: In summary, the available evidence is currently insufficient to determine the role of this variant in disease. Therefore, it has been classified as a Variant of Uncertain Significance. Algorithms developed to predict the effect of missense changes on protein structure and function are either unavailable or do not agree on the potential impact of this missense change (SIFT: "Deleterious"; PolyPhen-2: "Not Available"; Align-GVGD: "Class C0"). This variant has not been reported in the literature in individuals with TRDN-related conditions. This variant is not present in population databases (ExAC no frequency). This sequence change replaces glutamic acid with lysine at codon 149 of the TRDN protein (p.Glu149Lys). The glutamic acid residue is moderately conserved and there is a small physicochemical difference between glutamic acid and lysine.

NM_006073.4(TRDN):c.445G>A (p.Glu149Lys)

Gene: TRDN (triadin; minus strand). Cytogenetic location: 6q22.31.
Variant type: single nucleotide variant.
Coding change: c.445G>A on transcript NM_006073.4 (MANE Select); coding-DNA position 445, G replaced by A.
Protein change: p.Glu149Lys; replaces glutamic acid 149 with lysine.
Molecular consequence: missense variant.
Genome position (GRCh38, 1-based): chr6:123,530,545, C>T on the plus strand (G>A on the coding strand, the complement: TRDN is on the minus strand). VCF-style: chr6-123530545-C-T. GRCh37 (hg19) VCF-style: chr6-123851690-C-T.
Other names: c.445G>A, p.Glu149Lys (NM_001251987.2, NM_001256020.2, NM_001256021.2 and 1 more transcripts); short protein forms E149K.
Identifiers: ClinVar variation 1007607 (VCV001007607.10), dbSNP rs902398250, ClinGen allele CA147293468.
Genomic context (GRCh38, chr6:123,530,545, plus strand): 5'-AACATAAAATGAAATGTTTACCTTTAGTTTGTATTTTCCTTTCAGGTTTCTCTTGTTTTT[C>T]AGTCTTATCTTTGTGTATTTCTAAGAAAAAATAGAATTTATAATTTTAAAACTCTGAAAA-3'
Protein context (NP_006064.2, residues 139-159): RKKEIHKDKT[Glu149Lys]KQEKPERKIQ